The following is an entry in ClinVar:

ClinVar aggregate classification (germline): Uncertain significance (1 of 4 stars; one submission).

Submission:

Labcorp Genetics (formerly Invitae), Labcorp
Classification: Uncertain significance. Last evaluated: 2022-06-14. Review status: criteria provided, single submitter. Criteria: Invitae Variant Classification Sherloc (09022015). Collection method: clinical testing. Allele origin: germline.
Comment: This variant is not present in population databases (gnomAD no frequency). This sequence change replaces histidine, which is basic and polar, with tyrosine, which is neutral and polar, at codon 1180 of the IMPG2 protein (p.His1180Tyr). This variant has not been reported in the literature in individuals affected with IMPG2-related conditions. In summary, the available evidence is currently insufficient to determine the role of this variant in disease. Therefore, it has been classified as a Variant of Uncertain Significance. Algorithms developed to predict the effect of missense changes on protein structure and function (SIFT, PolyPhen-2, Align-GVGD) all suggest that this variant is likely to be tolerated.

NM_016247.4(IMPG2):c.3538C>T (p.His1180Tyr)

Gene: IMPG2 (interphotoreceptor matrix proteoglycan 2; minus strand). Cytogenetic location: 3q12.3.
Variant type: single nucleotide variant.
Coding change: c.3538C>T on transcript NM_016247.4 (MANE Select); coding-DNA position 3538, C replaced by T.
Protein change: p.His1180Tyr; replaces histidine 1180 with tyrosine.
Molecular consequence: missense variant.
Genome position (GRCh38, 1-based): chr3:101,229,475, G>A on the plus strand (C>T on the coding strand, the complement: IMPG2 is on the minus strand). VCF-style: chr3-101229475-G-A. GRCh37 (hg19) VCF-style: chr3-100948319-G-A.
Other names: short protein forms H1180Y.
Identifiers: ClinVar variation 2006206 (VCV002006206.4), dbSNP rs2508918947, ClinGen allele CA353847548.